The following is an entry in ClinVar:

NM_001099922.3(ALG13):c.3406G>T (p.Gly1136Cys)

Gene: ALG13 (ALG13 UDP-N-acetylglucosaminyltransferase subunit; plus strand). Cytogenetic location: Xq23.
Variant type: single nucleotide variant.
Coding change: c.3406G>T on transcript NM_001099922.3 (MANE Select); coding-DNA position 3406, G replaced by T.
Protein change: p.Gly1136Cys; replaces glycine 1136 with cysteine.
Molecular consequence: missense variant. On other transcripts: non-coding transcript variant (1).
Genome position (GRCh38, 1-based): chrX:111,759,991, G>T. VCF-style: chrX-111759991-G-T. GRCh37 (hg19) VCF-style: chrX-111003219-G-T.
Other names: c.2857G>T, p.Gly953Cys (NM_001257230.2, NM_001257234.2, NM_001257237.2); c.3172G>T, p.Gly1058Cys (NM_001257231.2); c.3169G>T, p.Gly1057Cys (NM_001324292.2); c.2683G>T, p.Gly895Cys (NM_001324293.1); short protein forms G1057C, G1058C, G1136C, G895C, G953C.
Identifiers: ClinVar variation 985757 (VCV000985757.3), dbSNP rs376207448, ClinGen allele CA10494087.

ClinVar aggregate classification (germline): Uncertain significance (1 of 4 stars; one submission).

Conditions:
Inborn genetic diseases. Identifiers: MedGen C0950123, MeSH D030342.

Allele frequency attached by ClinVar (database versions not stated): ExAC 0.00001; gnomAD exomes 0.00001; ESP Exome Variant Server 0.00012.

Submission:

Ambry Genetics
Classification: Uncertain significance for Inborn genetic diseases. Last evaluated: 2017-06-21. Review status: criteria provided, single submitter. Criteria: Ambry Variant Classification Scheme 2023. Collection method: clinical testing. Allele origin: germline.
Comment: The p.G1136C variant (also known as c.3406G>T), located in coding exon 27 of the ALG13 gene, results from a G to T substitution at nucleotide position 3406. The glycine at codon 1136 is replaced by cysteine, an amino acid with highly dissimilar properties. This amino acid position is not well conserved in available vertebrate species. In addition, this alteration is predicted to be tolerated by in silico analysis. Since supporting evidence is limited at this time, the clinical significance of this alteration remains unclear.